The following is an entry in ClinVar:

NM_004168.4(SDHA):c.1101G>A (p.Gln367=)

Gene: SDHA (succinate dehydrogenase complex flavoprotein subunit A; plus strand). Cytogenetic location: 5p15.33.
Variant type: single nucleotide variant.
Coding change: c.1101G>A on transcript NM_004168.4 (MANE Select); coding-DNA position 1101, G replaced by A.
Protein change: p.Gln367=; no amino-acid change (glutamine 367 retained).
Molecular consequence: synonymous variant.
Genome position (GRCh38, 1-based): chr5:235,180, G>A. VCF-style: chr5-235180-G-A. GRCh37 (hg19) VCF-style: chr5-235295-G-A.
Other names: c.957G>A, p.Gln319= (NM_001294332.2); c.1101G>A, p.Gln367= (NM_001330758.2).
Identifiers: ClinVar variation 1792569 (VCV001792569.8), dbSNP rs2477362604, ClinGen allele CA442691939.

ClinVar aggregate classification (germline): Benign/Likely benign. Review status: criteria provided, multiple submitters, no conflicts (2 of 4 stars). 3 submissions from 3 submitters: Benign (1); Likely benign (2). Last evaluated 2025-06-02.

Conditions:
Mitochondrial complex II deficiency, nuclear type 1. Also called: SUCCINATE CoQ REDUCTASE DEFICIENCY. Identifiers: Orphanet 3208, MedGen C5700310, MONDO:0100294, OMIM 252011.
Pheochromocytoma/paraganglioma syndrome 5. Also called: Paragangliomas 5; SDHA-Related Hereditary Paraganglioma-Pheochromocytoma Syndrome. Identifiers: Orphanet 29072, MedGen C3279992, MONDO:0013602, OMIM 614165.
Hereditary cancer-predisposing syndrome. Also called: Tumor predisposition; Hereditary Cancer Syndrome; Hereditary neoplastic syndrome; Neoplastic Syndromes, Hereditary. Identifiers: Orphanet 140162, MedGen C0027672, MeSH D009386, MONDO:0015356.

Submissions (3):

Labcorp Genetics (formerly Invitae), Labcorp
Classification: Likely benign for Pheochromocytoma/paraganglioma syndrome 5; Mitochondrial complex II deficiency, nuclear type 1. Last evaluated: 2025-06-02. Review status: criteria provided, single submitter. Criteria: Invitae Variant Classification Sherloc (09022015). Collection method: clinical testing. Allele origin: germline.

Myriad Genetics, Inc.
Classification: Benign for Pheochromocytoma/paraganglioma syndrome 5. Last evaluated: 2025-03-07. Review status: criteria provided, single submitter. Criteria: Myriad Autosomal Dominant, Autosomal Recessive and X-Linked Classification Criteria (2023). Collection method: clinical testing. Allele origin: unknown.
Comment: This variant is considered benign. This variant is a silent/synonymous amino acid change and it is not expected to impact splicing.

Ambry Genetics
Classification: Likely benign for Hereditary cancer-predisposing syndrome. Last evaluated: 2019-06-18. Review status: criteria provided, single submitter. Criteria: Ambry Variant Classification Scheme 2023. Collection method: clinical testing. Allele origin: germline.